The following is an entry in ClinVar:

NM_001004334.4(GPR179):c.6335C>A (p.Ala2112Glu)

Gene: GPR179 (G protein-coupled receptor 179; minus strand). Cytogenetic location: 17q12.
Variant type: single nucleotide variant.
Coding change: c.6335C>A on transcript NM_001004334.4 (MANE Select); coding-DNA position 6335, C replaced by A.
Protein change: p.Ala2112Glu; replaces alanine 2112 with glutamic acid.
Molecular consequence: missense variant.
Genome position (GRCh38, 1-based): chr17:38,327,234, G>T on the plus strand (C>A on the coding strand, the complement: GPR179 is on the minus strand). VCF-style: chr17-38327234-G-T. GRCh37 (hg19) VCF-style: chr17-36483117-G-T.
Other names: short protein forms A2112E.
Identifiers: ClinVar variation 1911685 (VCV001911685.5), dbSNP rs542057732, ClinGen allele CA290103026.

ClinVar aggregate classification (germline): Uncertain significance (1 of 4 stars; one submission).

Submission:

Labcorp Genetics (formerly Invitae), Labcorp
Classification: Uncertain significance. Last evaluated: 2022-05-04. Review status: criteria provided, single submitter. Criteria: Invitae Variant Classification Sherloc (09022015). Collection method: clinical testing. Allele origin: germline.
Comment: This variant is present in population databases (rs542057732, gnomAD 0.003%). This sequence change replaces alanine, which is neutral and non-polar, with glutamic acid, which is acidic and polar, at codon 2112 of the GPR179 protein (p.Ala2112Glu). This variant has not been reported in the literature in individuals affected with GPR179-related conditions. In summary, the available evidence is currently insufficient to determine the role of this variant in disease. Therefore, it has been classified as a Variant of Uncertain Significance. Algorithms developed to predict the effect of missense changes on protein structure and function are either unavailable or do not agree on the potential impact of this missense change (SIFT: "Deleterious"; PolyPhen-2: "Possibly Damaging"; Align-GVGD: "Class C0").